The following is an entry in ClinVar:

NM_152564.5(VPS13B):c.1829del (p.Ser610fs)

Gene: VPS13B (vacuolar protein sorting 13 homolog B; plus strand). Cytogenetic location: 8q22.2.
Variant type: Deletion.
Coding change: c.1829del on transcript NM_152564.5 (MANE Select); coding-DNA position 1829, one base deleted (G; older notation c.1829delG).
Protein change: p.Ser610fs; shifts the reading frame from serine 610.
Molecular consequence: frameshift variant.
Genome position (GRCh38, 1-based): chr8:99,143,151, G deleted. VCF-style (leftmost placement, unchanged base first): chr8-99143150-AG-A. GRCh37 (hg19) VCF-style: chr8-100155378-AG-A.
Other names: c.1829del, p.Ser610fs (NM_015243.3, NM_017890.5); c.1829delG (NM_015243.3); short protein forms S610fs.
Identifiers: ClinVar variation 3338205 (VCV003338205.2).

ClinVar aggregate classification (germline): Pathogenic (0 of 4 stars; one submission).

Conditions:
Autism (AUTS). Also called: Autistic disorder of childhood onset; Autistic disorder. Identifiers: MedGen C0004352, MeSH D001321, MONDO:0005260, OMIM 209850, HP:0000717.

Submission:

Centre for Addiction & Mental Health
Classification: Pathogenic for Autism. Review status: no assertion criteria provided. Collection method: research. Allele origin: biparental. Affected: yes. Observed: 1 homozygote. Segregation with disease observed.
Comment: Biallelic loss-of-function variant in known disease gene